The following is an entry in ClinVar:

ClinVar aggregate classification (germline): Pathogenic (1 of 4 stars; one submission).

Conditions:
Hereditary breast ovarian cancer syndrome. Also called: Hereditary breast and ovarian cancer syndrome; Breast and ovarian cancer; Hereditary breast and ovarian cancer syndrome (HBOC); Hereditary breast and ovarian cancer; BRCA1- and BRCA2-Associated Hereditary Breast and Ovarian Cancer; Hereditary breast and/or ovarian cancer syndrome. Identifiers: Orphanet 145, MedGen C0677776, MeSH D061325, MONDO:0003582. Disease mechanism: loss of function.

Submission:

Labcorp Genetics (formerly Invitae), Labcorp
Classification: Pathogenic for Hereditary breast ovarian cancer syndrome. Last evaluated: 2024-10-08. Review status: criteria provided, single submitter. Criteria: Invitae Variant Classification Sherloc (09022015). Collection method: clinical testing. Allele origin: germline.
Comment: This sequence change creates a premature translational stop signal (p.His476Metfs*2) in the BRCA1 gene. It is expected to result in an absent or disrupted protein product. Loss-of-function variants in BRCA1 are known to be pathogenic (PMID: 20104584). This variant is not present in population databases (gnomAD no frequency). This premature translational stop signal has been observed in individual(s) with ovarian cancer (PMID: 31815095). For these reasons, this variant has been classified as Pathogenic.

Literature cited by the submitters: PubMed 20104584; PubMed 31815095.

NM_007294.4(BRCA1):c.1426del (p.His476fs)

Gene: BRCA1 (BRCA1 DNA repair associated; minus strand). Cytogenetic location: 17q21.31.
Variant type: Deletion.
Coding change: c.1426del on transcript NM_007294.4 (MANE Select); coding-DNA position 1426, one base deleted (C; older notation c.1426delC).
Protein change: p.His476fs; shifts the reading frame from histidine 476.
Molecular consequence: frameshift variant. On other transcripts: intron variant (137).
Genome position (GRCh38, 1-based): chr17:43,094,105, G deleted on the plus strand (C on the coding strand, the reverse complement: BRCA1 is on the minus strand); the first of 2 consecutive G bases (chr17:43,094,105-43,094,106); deleting either gives the same sequence. VCF-style (leftmost placement, unchanged base first): chr17-43094104-TG-T. GRCh37 (hg19) VCF-style: chr17-41246121-TG-T.
Other names: c.1213del, p.His405fs (NM_001407571.1, NM_001407853.1, NM_001407894.1 and 9 more transcripts); c.1426del, p.His476fs (NM_001407581.1, NM_001407582.1, NM_001407583.1 and 30 more transcripts); c.1423del, p.His475fs (NM_001407587.1, NM_001407590.1, NM_001407591.1 and 22 more transcripts); c.1417del, p.His473fs (NM_001407646.1, NM_001407647.1); c.1303del, p.His435fs (NM_001407648.1, NM_001407664.1, NM_001407665.1 and 19 more transcripts); c.1300del, p.His434fs (NM_001407649.1, NM_001407670.1, NM_001407671.1 and 11 more transcripts); c.1348del, p.His450fs (NM_001407653.1, NM_001407654.1, NM_001407655.1 and 4 more transcripts); c.1345del, p.His449fs (NM_001407659.1, NM_001407660.1, NM_001407661.1 and 1 more transcripts); and 40 more; short protein forms H429fs, H476fs, H308fs, H364fs, H388fs, H405fs, H434fs, H180fs.
Identifiers: ClinVar variation 3609771 (VCV003609771.2).